The following is an entry in ClinVar:

ClinVar aggregate classification (germline): Uncertain significance (1 of 4 stars; one submission).

Conditions:
Marfan syndrome (MFS). Also called: MARFAN SYNDROME, TYPE I; Marfan syndrome type 1; Marfan's syndrome; Marfan syndrome, classic; FBN1-Related Marfan Syndrome. Identifiers: Orphanet 284963, Orphanet 558, MedGen C0024796, MONDO:0007947, OMIM 154700.

Allele frequency attached by ClinVar (database versions not stated): TOPMed below 0.00001; ExAC 0.00001; gnomAD 0.00001.
gnomAD v4.1: 4 of 1,613,928 alleles (0.00025%); highest among the groups gnomAD compares: Non-Finnish European, 0.00025%; no homozygotes.

Submission:

All of Us Research Program, National Institutes of Health
Classification: Uncertain significance for Marfan syndrome. Last evaluated: 2024-02-22. Review status: criteria provided, single submitter. Criteria: ACMG Guidelines, 2015. Collection method: clinical testing. Allele origin: germline. Inheritance: Autosomal dominant inheritance. Observed: 2 variant alleles, 2 heterozygotes.
Comment: This variant causes a C to A nucleotide substitution at the -7 position of intron 29 of the FBN1 gene. To our knowledge, functional studies have not been reported for this variant. This variant has not been reported in individuals affected with FBN1-related disorders in the literature. This variant has been identified in 1/251334 chromosomes in the general population by the Genome Aggregation Database (gnomAD). The available evidence is insufficient to determine the role of this variant in disease conclusively. Therefore, this variant is classified as a Variant of Uncertain Significance.

This study involves interpretation of variants in research participants for the purpose of population health screening. Participant phenotype was not available at the time of variant classification. Additional details can be found in publication PMID: 35346344, PMCID: PMC8962531

NM_000138.5(FBN1):c.3590-7C>A

Gene: FBN1 (fibrillin 1; minus strand). Cytogenetic location: 15q21.1.
Variant type: single nucleotide variant.
Coding change: c.3590-7C>A on transcript NM_000138.5 (MANE Select); 7 bases into the intron before coding-DNA position 3590, C replaced by A.
Molecular consequence: intron variant.
Genome position (GRCh38, 1-based): chr15:48,485,503, G>T on the plus strand (C>A on the coding strand, the complement: FBN1 is on the minus strand). VCF-style: chr15-48485503-G-T. GRCh37 (hg19) VCF-style: chr15-48777700-G-T.
Other names: c.3590-7C>A (NM_001406716.1).
Identifiers: ClinVar variation 3070843 (VCV003070843.2), dbSNP rs748603881, ClinGen allele CA051244.